The following is an entry in ClinVar:

NM_000138.5(FBN1):c.6869T>C (p.Val2290Ala)

Gene: FBN1 (fibrillin 1; minus strand). Cytogenetic location: 15q21.1.
Variant type: single nucleotide variant.
Coding change: c.6869T>C on transcript NM_000138.5 (MANE Select); coding-DNA position 6869, T replaced by C.
Protein change: p.Val2290Ala; replaces valine 2290 with alanine.
Molecular consequence: missense variant.
Genome position (GRCh38, 1-based): chr15:48,430,673, A>G on the plus strand (T>C on the coding strand, the complement: FBN1 is on the minus strand). VCF-style: chr15-48430673-A-G. GRCh37 (hg19) VCF-style: chr15-48722870-A-G.
Other names: c.6869T>C, p.Val2290Ala (NM_001406716.1); short protein forms V2290A.
Identifiers: ClinVar variation 5037568 (VCV005037568.1).

ClinVar aggregate classification (germline): Uncertain significance (1 of 4 stars; one submission).

Submission:

GeneDx
Classification: Uncertain significance. Last evaluated: 2026-04-22. Review status: criteria provided, single submitter. Criteria: GeneDx Variant Classification Process June 2021. Collection method: clinical testing. Allele origin: germline.
Comment: Not observed at significant frequency in large population cohorts (gnomAD); In silico analysis suggests that this missense variant does not alter protein structure/function; Does not affect a cysteine or calcium-binding residue within an EGF-like domain or a TGF-binding protein domain of the FBN1 gene; cysteine substitutions in the EGF-like domains represent the majority of pathogenic missense changes associated with FBN1-related disorders (PMID: 12938084); Has not been previously published as pathogenic or benign to our knowledge; This variant is associated with the following publications: (PMID: 12938084)